The following is an entry in ClinVar:

NM_006133.3(DAGLA):c.3071C>G (p.Pro1024Arg)

Gene: DAGLA (diacylglycerol lipase alpha; plus strand). Cytogenetic location: 11q12.2.
Variant type: single nucleotide variant.
Coding change: c.3071C>G on transcript NM_006133.3 (MANE Select); coding-DNA position 3071, C replaced by G.
Protein change: p.Pro1024Arg; replaces proline 1024 with arginine.
Molecular consequence: missense variant.
Genome position (GRCh38, 1-based): chr11:61,744,431, C>G. VCF-style: chr11-61744431-C-G. GRCh37 (hg19) VCF-style: chr11-61511903-C-G.
Other names: short protein forms P1024R.
Identifiers: ClinVar variation 4882656 (VCV004882656.2).

ClinVar aggregate classification (germline): Uncertain significance (1 of 4 stars; one submission).

gnomAD v4.1: 1 of 1,603,488 alleles (0.000062%); highest among the groups gnomAD compares: South Asian, 0.0011%; no homozygotes.

Submission:

Dasa
Classification: Uncertain significance. Last evaluated: 2025-11-04. Review status: criteria provided, single submitter. Criteria: DASA Assertion Criteria. Collection method: clinical testing. Allele origin: germline.
Comment: NM_006133.3(DAGLA):c.3071C>G (p.Pro1024Arg) is a missense variant that results in the substitution of proline with arginine. This variant is rare in population databases. The currently available literature and clinical evidence are not sufficient to establish a definitive association between this variant and the reported condition. Therefore, this variant is classified as a variant of uncertain significance.